The following is an entry in ClinVar:

NM_000236.3(LIPC):c.390del (p.His129_Tyr130insTer)

Gene: LIPC (lipase C, hepatic type; plus strand). Cytogenetic location: 15q21.3.
Variant type: Deletion.
Coding change: c.390del on transcript NM_000236.3 (MANE Select); coding-DNA position 390, one base deleted (C; older notation c.390delC).
Protein change: p.His129_Tyr130insTer.
Molecular consequence: nonsense.
Genome position (GRCh38, 1-based): chr15:58,541,901, C deleted. VCF-style (leftmost placement, unchanged base first): chr15-58541900-AC-A. GRCh37 (hg19) VCF-style: chr15-58834099-AC-A.
Identifiers: ClinVar variation 4780082 (VCV004780082.1).

ClinVar aggregate classification (germline): Uncertain significance (1 of 4 stars; one submission).

Submission:

Labcorp Genetics (formerly Invitae), Labcorp
Classification: Uncertain significance. Last evaluated: 2025-08-03. Review status: criteria provided, single submitter. Criteria: Invitae Variant Classification Sherloc (09022015). Collection method: clinical testing. Allele origin: germline.
Comment: This sequence change creates a premature translational stop signal (p.Tyr130*) in the LIPC gene. It is expected to result in an absent or disrupted protein product. However, the current clinical and genetic evidence is not sufficient to establish whether loss-of-function variants in LIPC cause disease. This variant is not present in population databases (gnomAD no frequency). This variant has not been reported in the literature in individuals affected with LIPC-related conditions. In summary, the available evidence is currently insufficient to determine the role of this variant in disease. Therefore, it has been classified as a Variant of Uncertain Significance.